The following is an entry in ClinVar:

ClinVar aggregate classification (germline): Uncertain significance (1 of 4 stars; one submission).

Allele frequency attached by ClinVar (database versions not stated): TOPMed below 0.00001; gnomAD 0.00001.
gnomAD v4.1: 1 of 1,613,988 alleles (0.000062%); highest among the groups gnomAD compares: African/African-American, 0.0013%; no homozygotes.

Submission:

GeneDx
Classification: Uncertain significance. Last evaluated: 2023-04-06. Review status: criteria provided, single submitter. Criteria: GeneDx Variant Classification Process June 2021. Collection method: clinical testing. Allele origin: germline. Affected: yes.
Comment: Not observed at significant frequency in large population cohorts (gnomAD); In silico analysis supports that this missense variant has a deleterious effect on protein structure/function; Has not been previously published as pathogenic or benign to our knowledge

NM_000138.5(FBN1):c.5120A>G (p.Asp1707Gly)

Gene: FBN1 (fibrillin 1; minus strand). Cytogenetic location: 15q21.1.
Variant type: single nucleotide variant.
Coding change: c.5120A>G on transcript NM_000138.5 (MANE Select); coding-DNA position 5120, A replaced by G.
Protein change: p.Asp1707Gly; replaces aspartic acid 1707 with glycine.
Molecular consequence: missense variant.
Genome position (GRCh38, 1-based): chr15:48,463,186, T>C on the plus strand (A>G on the coding strand, the complement: FBN1 is on the minus strand). VCF-style: chr15-48463186-T-C. GRCh37 (hg19) VCF-style: chr15-48755383-T-C.
Other names: c.5120A>G, p.Asp1707Gly (NM_001406716.1); short protein forms D1707G.
Identifiers: ClinVar variation 2663149 (VCV002663149.1), dbSNP rs2043293204, ClinGen allele CA392349263.
Genomic context (GRCh38, chr15:48,463,186, plus strand): 5'-CGGCCAATGTTGTAGGAACAGCAGCACATCTTCTTGGTCATGTTGAATAACAATTCTCCA[T>C]CACAGGTCTGGTTGTCAGCATAGTAGTTTCTGTAGCACAAACTTCTTCTCATATCTAGAA-3'
Protein context (NP_000129.3, residues 1697-1717): RNYYADNQTC[Asp1707Gly]GELLFNMTKK